The following is an entry in ClinVar:

NM_004360.5(CDH1):c.2489T>G (p.Leu830Arg)

Gene: CDH1 (cadherin 1; plus strand). Cytogenetic location: 16q22.1.
Variant type: single nucleotide variant.
Coding change: c.2489T>G on transcript NM_004360.5 (MANE Select); coding-DNA position 2489, T replaced by G.
Protein change: p.Leu830Arg; replaces leucine 830 with arginine.
Molecular consequence: missense variant.
Genome position (GRCh38, 1-based): chr16:68,833,339, T>G. VCF-style: chr16-68833339-T-G. GRCh37 (hg19) VCF-style: chr16-68867242-T-G.
Other names: c.2306T>G, p.Leu769Arg (NM_001317184.2); c.941T>G, p.Leu314Arg (NM_001317185.2); c.524T>G, p.Leu175Arg (NM_001317186.2); short protein forms L175R, L314R, L769R, L830R.
Identifiers: ClinVar variation 4756617 (VCV004756617.1).

ClinVar aggregate classification (germline): Uncertain significance (1 of 4 stars; one submission).

Conditions:
Hereditary cancer-predisposing syndrome. Also called: Tumor predisposition; Hereditary Cancer Syndrome; Neoplastic Syndromes, Hereditary; Hereditary neoplastic syndrome. Identifiers: Orphanet 140162, MedGen C0027672, MeSH D009386, MONDO:0015356.

Submission:

Color Diagnostics, LLC DBA Color Health
Classification: Uncertain significance for Hereditary cancer-predisposing syndrome. Last evaluated: 2025-04-19. Review status: criteria provided, single submitter. Criteria: ACMG Guidelines, 2015. Collection method: clinical testing. Allele origin: germline.
Comment: This missense variant replaces leucine with arginine at codon 830 of the CDH1 protein. To our knowledge, functional studies have not been reported for this variant. This variant has not been reported in individuals affected with CDH1-related disorders in the literature. This variant has not been identified in the general population by the Genome Aggregation Database (gnomAD). The available evidence is insufficient to determine the role of this variant in disease conclusively. Therefore, this variant is classified as a Variant of Uncertain Significance.